The following is an entry in ClinVar:

NM_139057.4(ADAMTS17):c.3275C>T (p.Pro1092Leu)

Gene: ADAMTS17 (ADAM metallopeptidase with thrombospondin type 1 motif 17; minus strand). Cytogenetic location: 15q26.3.
Variant type: single nucleotide variant.
Coding change: c.3275C>T on transcript NM_139057.4 (MANE Select); coding-DNA position 3275, C replaced by T.
Protein change: p.Pro1092Leu; replaces proline 1092 with leucine.
Molecular consequence: missense variant.
Genome position (GRCh38, 1-based): chr15:99,974,415, G>A on the plus strand (C>T on the coding strand, the complement: ADAMTS17 is on the minus strand). VCF-style: chr15-99974415-G-A. GRCh37 (hg19) VCF-style: chr15-100514620-G-A.
Other names: short protein forms P1092L.
Identifiers: ClinVar variation 788711 (VCV000788711.11), dbSNP rs201896149, ClinGen allele CA7757402.

ClinVar aggregate classification (germline): Conflicting classifications of pathogenicity. Review status: criteria provided, conflicting classifications (1 of 4 stars). 3 submissions from 3 submitters: Uncertain significance (1); Likely benign (2). Last evaluated 2026-01-29.

Conditions:
Weill-Marchesani 4 syndrome, recessive. Also called: Weill-Marchesani syndrome 4. Identifiers: Orphanet 363992, MedGen C2750787, MONDO:0013176, OMIM 613195.

Allele frequency attached by ClinVar (database versions not stated): ESP Exome Variant Server 0.00008; gnomAD 0.00019; TOPMed 0.00030; ExAC 0.00047; gnomAD exomes 0.00051.
gnomAD v4.1: 216 of 1,614,190 alleles (0.013%); highest among the groups gnomAD compares: Admixed American, 0.25%; 1 homozygote.

Submissions (3):

Labcorp Genetics (formerly Invitae), Labcorp
Classification: Likely benign. Last evaluated: 2026-01-29. Review status: criteria provided, single submitter. Criteria: Invitae Variant Classification Sherloc (09022015). Collection method: clinical testing. Allele origin: germline.

Blueprint Genetics
Classification: Likely benign. Last evaluated: 2023-12-13. Review status: criteria provided, single submitter. Criteria: ACMG Guidelines, 2015. Collection method: clinical testing. Allele origin: germline.

Center for Genomics, Ann and Robert H. Lurie Children's Hospital of Chicago
Classification: Uncertain significance for Weill-Marchesani 4 syndrome, recessive. Last evaluated: 2021-03-30. Review status: criteria provided, single submitter. Criteria: ACMG Guidelines, 2015. Collection method: clinical testing. Allele origin: germline.
Comment: ADAMTS17 NM_139057.3 exon 22 p.Pro1092Leu (c.3275C>T): This variant has not been reported in the literature but is present in 0.09% (15/15288) of Latino alleles in the Genome Aggregation Database. This variant is present in ClinVar (Variation ID:788711). This variant amino acid Leucine (Leu) is present in several species including multiple mammals, and is not well conserved among evolutionarily distant species; this suggests that this variant may not impact the protein. Additional computational prediction tools do not suggest an impact. In summary, data on this variant is insufficient for disease classification. Therefore, the clinical significance of this variant is uncertain.